The following is an entry in ClinVar:

ClinVar aggregate classification (germline): Pathogenic (1 of 4 stars; one submission).

Conditions:
Arrhythmogenic cardiomyopathy with wooly hair and keratoderma. Also called: PALMOPLANTAR KERATODERMA WITH LEFT VENTRICULAR CARDIOMYOPATHY AND WOOLLY HAIR; Arrhythmogenic cardiomyopathy with woolly hair and keratoderma; Dilated cardiomyopathy with woolly hair and keratoderma; Carvajal syndrome. Identifiers: Orphanet 65282, MedGen C1854063, MONDO:0011581, OMIM 605676.
Arrhythmogenic right ventricular dysplasia 8 (ARVD8). Also called: ARRHYTHMOGENIC RIGHT VENTRICULAR DYSPLASIA, FAMILIAL, 8; ARRHYTHMOGENIC RIGHT VENTRICULAR CARDIOMYOPATHY 8; Arrhythmogenic Right Ventricular Dysplasia/Cardiomyopathy 8. Identifiers: MedGen C1843896, MONDO:0011831, OMIM 607450.

Submission:

Labcorp Genetics (formerly Invitae), Labcorp
Classification: Pathogenic for Dilated cardiomyopathy with woolly hair and keratoderma; Arrhythmogenic right ventricular cardiomyopathy, type 8. Last evaluated: 2018-08-14. Review status: criteria provided, single submitter. Criteria: Invitae Variant Classification Sherloc (09022015). Collection method: clinical testing. Allele origin: germline.
Comment: A gross deletion of the genomic region encompassing the full coding sequence of the DSP gene has been identified. The boundaries of this event are unknown as the deletion extends beyond the assayed region for this gene and therefore may encompass additional genes. This variant has not been reported in the literature in individuals with DSP-related disease. Loss-of-function variants in DSP are known to be pathogenic (PMID: 20716751, 24503780, 25227139). For these reasons, this variant has been classified as Pathogenic.

NC_000006.12:g.(?_7541896)_(7585898_?)del

Genes: DSP (desmoplakin; plus strand), DSP-AS1 (DSP antisense RNA 1; minus strand), LOC110121274 (VISTA enhancer hs2191; plus strand). Cytogenetic location: 6p24.3.
Variant type: Deletion.
Identifiers: ClinVar variation 664448 (VCV000664448.1).